The following is an entry in ClinVar:

ClinVar aggregate classification (germline): Likely benign (0 of 4 stars; one submission).

Conditions:
CASP2-related disorder. Also called: CASP2-related condition.

Allele frequency attached by ClinVar (database versions not stated): gnomAD 0.00005; gnomAD exomes 0.00005; ExAC 0.00008; TOPMed 0.00008.

Submission:

PreventionGenetics, part of Exact Sciences
Classification: Likely benign for CASP2-related condition. Last evaluated: 2019-05-30. Review status: no assertion criteria provided. Collection method: clinical testing. Allele origin: germline.
Comment: This variant is classified as likely benign based on ACMG/AMP sequence variant interpretation guidelines (Richards et al. 2015 PMID: 25741868, with internal and published modifications).

NM_032982.4(CASP2):c.1011C>T (p.His337=)

Gene: CASP2 (caspase 2; plus strand). Cytogenetic location: 7q34.
Variant type: single nucleotide variant.
Coding change: c.1011C>T on transcript NM_032982.4 (MANE Select); coding-DNA position 1011, C replaced by T.
Protein change: p.His337=; no amino-acid change (histidine 337 retained).
Molecular consequence: synonymous variant. On other transcripts: 3 prime UTR variant (2).
Genome position (GRCh38, 1-based): chr7:143,303,827, C>T. VCF-style: chr7-143303827-C-T. GRCh37 (hg19) VCF-style: chr7-143000920-C-T.
Other names: c.*40C>T (NM_001224.5); c.*466C>T (NM_032983.4).
Identifiers: ClinVar variation 3043963 (VCV003043963.2), dbSNP rs775394794, ClinGen allele CA4536657.